The following is an entry in ClinVar:

NM_001105659.2(LRRIQ3):c.1164T>G (p.Thr388=)

Gene: LRRIQ3 (leucine rich repeats and IQ motif containing 3; minus strand). Cytogenetic location: 1p31.1.
Variant type: single nucleotide variant.
Coding change: c.1164T>G on transcript NM_001105659.2 (MANE Select); coding-DNA position 1164, T replaced by G.
Protein change: p.Thr388=; no amino-acid change (threonine 388 retained).
Molecular consequence: synonymous variant.
Genome position (GRCh38, 1-based): chr1:74,041,767, A>C on the plus strand (T>G on the coding strand, the complement: LRRIQ3 is on the minus strand). VCF-style: chr1-74041767-A-C. GRCh37 (hg19) VCF-style: chr1-74507451-A-C.
Other names: c.1164T>G, p.Thr388= (NM_001322315.2).
Identifiers: ClinVar variation 3048136 (VCV003048136.2), dbSNP rs371279678, ClinGen allele CA907803.

ClinVar aggregate classification (germline): Likely benign (0 of 4 stars; one submission).

Conditions:
LRRIQ3-related disorder. Also called: LRRIQ3-related condition.

Allele frequency attached by ClinVar (database versions not stated): ExAC 0.00002; gnomAD 0.00002; gnomAD exomes 0.00004; ESP Exome Variant Server 0.00008.
gnomAD v4.1: 55 of 1,613,548 alleles (0.0034%); highest among the groups gnomAD compares: Non-Finnish European, 0.0045%; no homozygotes.

Submission:

PreventionGenetics, part of Exact Sciences
Classification: Likely benign for LRRIQ3-related condition. Last evaluated: 2019-03-04. Review status: no assertion criteria provided. Collection method: clinical testing. Allele origin: germline.
Comment: This variant is classified as likely benign based on ACMG/AMP sequence variant interpretation guidelines (Richards et al. 2015 PMID: 25741868, with internal and published modifications).